The following is an entry in ClinVar:

NM_000187.4(HGD):c.1007-1709_1188+1121del

Gene: HGD (homogentisate 1,2-dioxygenase; minus strand). Cytogenetic location: 3q13.33.
Variant type: Deletion.
Coding change: c.1007-1709_1188+1121del on transcript NM_000187.4 (MANE Select); 1709 bases into the intron before coding-DNA position 1007 through 1121 bases into the intron after coding-DNA position 1188, 3,012 bases deleted.
Molecular consequence: splice acceptor variant, splice donor variant.
Genome position (GRCh38, 1-based): chr3:120,632,026-120,635,037, 3,012 bases deleted. GRCh37 (hg19): chr3:120,350,874-120,353,885.
Identifiers: ClinVar variation 2584690 (VCV002584690.2), ClinGen allele CA2582342871.

ClinVar aggregate classification (germline): Pathogenic (0 of 4 stars; one submission).

Conditions:
Alkaptonuria (AKU). Also called: Alkaptonuric ochronosis; Homogentisic acidura; HOMOGENTISIC ACID OXIDASE DEFICIENCY; Alcaptonuria. Identifiers: Orphanet 56, MedGen C0002066, MONDO:0008753, OMIM 203500.

Submission:

Department Of Human Genetics, Institute Of Clinical And Translational Research, Biomedical Research Center, Slovak Academy Of Sciences
Classification: Pathogenic for Alkaptonuria. Review status: no assertion criteria provided. Collection method: research. Allele origin: germline. Inheritance: Autosomal recessive inheritance. Affected: yes. Observed: 5 variant alleles.
Comment: Variant was identified by MLPA as a deletion of exons 13 (reported in PMID:30737480). Deletion breakpoints were reported in PMID:35110678. It has been submitted to the HGD gene mutation database (DB-ID: AKU_00196).

Literature cited by the submitters: PubMed 30737480.